The following is an entry in ClinVar:

ClinVar aggregate classification (germline): Uncertain significance (1 of 4 stars; one submission).

Submission:

CeGaT Center for Human Genetics Tuebingen
Classification: Uncertain significance. Last evaluated: 2025-12-01. Review status: criteria provided, single submitter. Criteria: CeGaT Center For Human Genetics Tuebingen Variant Classification Criteria Version 2. Collection method: clinical testing. Allele origin: germline. Affected: yes. Observed: 1 variant allele.
Comment: KMT2B: PM2, PVS1:Moderate

NM_014727.3(KMT2B):c.4497+1G>A

Gene: KMT2B (lysine methyltransferase 2B; plus strand). Cytogenetic location: 19q13.12.
Variant type: single nucleotide variant.
Coding change: c.4497+1G>A on transcript NM_014727.3 (MANE Select); the canonical splice donor site of the intron after coding-DNA position 4497, G replaced by A.
Molecular consequence: splice donor variant.
Genome position (GRCh38, 1-based): chr19:35,727,986, G>A. VCF-style: chr19-35727986-G-A. GRCh37 (hg19) VCF-style: chr19-36218887-G-A.
Identifiers: ClinVar variation 4681872 (VCV004681872.5).